The following is an entry in ClinVar:

NM_020207.7(ERCC6L2):c.1363G>A (p.Val455Ile)

Gene: ERCC6L2 (ERCC excision repair 6 like 2; plus strand). Cytogenetic location: 9q22.32.
Variant type: single nucleotide variant.
Coding change: c.1363G>A on transcript NM_020207.7 (MANE Select); coding-DNA position 1363, G replaced by A.
Protein change: p.Val455Ile; replaces valine 455 with isoleucine.
Molecular consequence: missense variant. On other transcripts: non-coding transcript variant (1).
Genome position (GRCh38, 1-based): chr9:95,922,368, G>A. VCF-style: chr9-95922368-G-A. GRCh37 (hg19) VCF-style: chr9-98684650-G-A.
Other names: c.1363G>A, p.Val455Ile (NM_001010895.4, NM_001375291.1, NM_001375292.1 and 2 more transcripts); short protein forms V455I.
Identifiers: ClinVar variation 5036075 (VCV005036075.1).

ClinVar aggregate classification (germline): Uncertain significance (1 of 4 stars; one submission).

Conditions:
Inborn genetic diseases. Identifiers: MedGen C0950123, MeSH D030342.

Submission:

Ambry Genetics
Classification: Uncertain significance for Inborn genetic diseases. Last evaluated: 2026-07-05. Review status: criteria provided, single submitter. Criteria: Ambry Variant Classification Scheme 2023. Collection method: clinical testing. Allele origin: germline.
Comment: The p.V455I variant (also known as c.1363G>A), located in coding exon 8 of the ERCC6L2 gene, results from a G to A substitution at nucleotide position 1363. The valine at codon 455 is replaced by isoleucine, an amino acid with highly similar properties. This amino acid position is conserved. In addition, this alteration is predicted to be tolerated by in silico analysis. Based on the available evidence, the clinical significance of this variant remains unclear.